The following is an entry in ClinVar:

ClinVar aggregate classification (germline): Likely pathogenic (1 of 4 stars; one submission).

Conditions:
Early-infantile DEE. Also called: Early infantile epileptic encephalopathy; Early infantile epileptic encephalopathy with suppression bursts; Ohtahara syndrome. Identifiers: Orphanet 1934, MedGen C0393706, MONDO:0800491.

Submission:

Labcorp Genetics (formerly Invitae), Labcorp
Classification: Likely pathogenic for Early-infantile DEE. Last evaluated: 2025-10-26. Review status: criteria provided, single submitter. Criteria: Invitae Variant Classification Sherloc (09022015). Collection method: clinical testing. Allele origin: germline.
Comment: This sequence change affects a donor splice site in intron 52 of the SPTAN1 gene. It is expected to disrupt RNA splicing. Variants that disrupt the donor or acceptor splice site typically lead to a loss of protein function (PMID: 16199547), and loss-of-function variants in SPTAN1 are known to be pathogenic (PMID: 31332438, 33206935). This variant is not present in population databases (gnomAD no frequency). This variant has not been reported in the literature in individuals affected with SPTAN1-related conditions. Algorithms developed to predict the effect of sequence changes on RNA splicing suggest that this variant may disrupt the consensus splice site. In summary, the currently available evidence indicates that the variant is pathogenic, but additional data are needed to prove that conclusively. Therefore, this variant has been classified as Likely Pathogenic.

Literature cited by the submitters: PubMed 16199547; PubMed 31332438; PubMed 33206935.

NM_001130438.3(SPTAN1):c.6762+1G>A

Gene: SPTAN1 (spectrin alpha, non-erythrocytic 1; plus strand). Cytogenetic location: 9q34.11.
Variant type: single nucleotide variant.
Coding change: c.6762+1G>A on transcript NM_001130438.3 (MANE Select); the canonical splice donor site of the intron after coding-DNA position 6762, G replaced by A.
Molecular consequence: splice donor variant.
Genome position (GRCh38, 1-based): chr9:128,630,376, G>A. VCF-style: chr9-128630376-G-A. GRCh37 (hg19) VCF-style: chr9-131392655-G-A.
Other names: c.6861+1G>A (NM_001375318.1); c.6798+1G>A (NM_001375312.2, NM_001438440.1); c.6762+1G>A (NM_001375311.2); c.6702+1G>A (NM_001375314.2, NM_001363765.2); c.6849+1G>A (NM_001375310.1); c.6825+1G>A (NM_001363759.2); c.6744+1G>A (NM_001375313.1); c.6810+1G>A (NM_001438445.1); and 6 more.
Identifiers: ClinVar variation 4729920 (VCV004729920.1).